The following is an entry in ClinVar:

NM_206996.4(SPAG17):c.5621+10T>C

Gene: SPAG17 (sperm associated antigen 17; minus strand). Cytogenetic location: 1p12.
Variant type: single nucleotide variant.
Coding change: c.5621+10T>C on transcript NM_206996.4 (MANE Select); 10 bases into the intron after coding-DNA position 5621, T replaced by C.
Molecular consequence: intron variant.
Genome position (GRCh38, 1-based): chr1:117,988,095, A>G on the plus strand (T>C on the coding strand, the complement: SPAG17 is on the minus strand). VCF-style: chr1-117988095-A-G. GRCh37 (hg19) VCF-style: chr1-118530718-A-G.
Identifiers: ClinVar variation 3034443 (VCV003034443.2), dbSNP rs766479861, ClinGen allele CA1033068.
Genomic context (GRCh38, chr1:117,988,095, plus strand): 5'-CCTGCATATTCCATTTCCTCAATCACTGCATACCTAATACTAATTAGAACACATTATTGG[A>G]TTAGCTTACCTCCATGTCTTTTCAAAGAAATCTTTACCAAATGTGTCTGGTGGGCATTTT-3'

ClinVar aggregate classification (germline): Likely benign (0 of 4 stars; one submission).

Conditions:
SPAG17-related disorder. Also called: SPAG17-related condition.

Allele frequency attached by ClinVar (database versions not stated): gnomAD exomes 0.00005; ExAC 0.00017; gnomAD 0.00019; TOPMed 0.00041.
gnomAD v4.1: 102 of 1,587,966 alleles (0.0064%); highest among the groups gnomAD compares: Admixed American, 0.1%; no homozygotes.

Submission:

PreventionGenetics, part of Exact Sciences
Classification: Likely benign for SPAG17-related condition. Last evaluated: 2019-06-20. Review status: no assertion criteria provided. Collection method: clinical testing. Allele origin: germline.
Comment: This variant is classified as likely benign based on ACMG/AMP sequence variant interpretation guidelines (Richards et al. 2015 PMID: 25741868, with internal and published modifications).